The following is an entry in ClinVar:

ClinVar aggregate classification (germline): Conflicting classifications of pathogenicity. Review status: criteria provided, conflicting classifications (1 of 4 stars). 4 submissions from 4 submitters: Uncertain significance (2); Likely benign (1). 1 of the submissions does not count toward it. Last evaluated 2022-11-01.

Conditions:
Mucopolysaccharidosis, MPS-III-B (MPS3B). Also called: N-ACETYL-ALPHA-D-GLUCOSAMINIDASE DEFICIENCY; NAGLU DEFICIENCY; SANFILIPPO SYNDROME B; Mucopolysaccharidosis type IIIB (Sanfilippo B); MPS IIIB (Sanfilippo Syndrome Type B); MUCOPOLYSACCHARIDOSIS, TYPE IIIB. Identifiers: Orphanet 79270, MedGen C0086648, MONDO:0009656, OMIM 252920.
Charcot-Marie-Tooth disease axonal type 2V. Also called: CHARCOT-MARIE-TOOTH NEUROPATHY, TYPE 2V; CHARCOT-MARIE-TOOTH DISEASE, AXONAL, AUTOSOMAL DOMINANT, TYPE 2V. Identifiers: Orphanet 447964, MedGen C5569050, MONDO:0014665, OMIM 616491.
Inborn genetic diseases. Identifiers: MedGen C0950123, MeSH D030342.

Allele frequency attached by ClinVar (database versions not stated): gnomAD exomes 0.00005 and 0.00003; ExAC 0.00002; gnomAD 0.00003; TOPMed 0.00006.
gnomAD v4.1: 42 of 1,613,542 alleles (0.0026%); highest among the groups gnomAD compares: Admixed American, 0.015%; no homozygotes.

Submissions (4):

Labcorp Genetics (formerly Invitae), Labcorp
Classification: Uncertain significance for Charcot-Marie-Tooth disease axonal type 2V; Mucopolysaccharidosis, MPS-III-B. Last evaluated: 2022-11-01. Review status: criteria provided, single submitter. Criteria: Invitae Variant Classification Sherloc (09022015). Collection method: clinical testing. Allele origin: germline.
Comment: This sequence change replaces arginine, which is basic and polar, with glutamine, which is neutral and polar, at codon 720 of the NAGLU protein (p.Arg720Gln). This variant is present in population databases (rs774971794, gnomAD 0.02%). This variant has not been reported in the literature in individuals affected with NAGLU-related conditions. ClinVar contains an entry for this variant (Variation ID: 836355). Algorithms developed to predict the effect of missense changes on protein structure and function output the following: SIFT: "Tolerated"; PolyPhen-2: "Benign"; Align-GVGD: "Class C0". The glutamine amino acid residue is found in multiple mammalian species, which suggests that this missense change does not adversely affect protein function. In summary, the available evidence is currently insufficient to determine the role of this variant in disease. Therefore, it has been classified as a Variant of Uncertain Significance.

Ambry Genetics
Classification: Likely benign for Inborn genetic diseases. Last evaluated: 2021-08-02. Review status: criteria provided, single submitter. Criteria: Ambry Variant Classification Scheme 2023. Collection method: clinical testing. Allele origin: germline.

New York Genome Center
Classification: Uncertain significance for Mucopolysaccharidosis, MPS-III-B. Last evaluated: 2020-07-24. Review status: criteria provided, single submitter. Criteria: NYGC Assertion Criteria 2020. Collection method: clinical testing. Allele origin: germline. Observed: 1 heterozygote. Study: CSER-NYCKidSeq.

Natera, Inc.
Classification: Uncertain significance for Mucopolysaccharidosis type IIIB. Last evaluated: 2021-01-29. Review status: no assertion criteria provided. Collection method: clinical testing. Allele origin: germline. Not counted in ClinVar's aggregate classification.

NM_000263.4(NAGLU):c.2159G>A (p.Arg720Gln)

Gene: NAGLU (N-acetyl-alpha-glucosaminidase; plus strand). Cytogenetic location: 17q21.2.
Variant type: single nucleotide variant.
Coding change: c.2159G>A on transcript NM_000263.4 (MANE Select); coding-DNA position 2159, G replaced by A.
Protein change: p.Arg720Gln; replaces arginine 720 with glutamine.
Molecular consequence: missense variant.
Genome position (GRCh38, 1-based): chr17:42,544,165, G>A. VCF-style: chr17-42544165-G-A. GRCh37 (hg19) VCF-style: chr17-40696183-G-A.
Other names: short protein forms R720Q.
Identifiers: ClinVar variation 836355 (VCV000836355.9), dbSNP rs774971794, ClinGen allele CA8577152.